The following is an entry in ClinVar:

NM_032482.3(DOT1L):c.409G>A (p.Gly137Arg)

Gene: DOT1L (DOT1 like histone lysine methyltransferase; plus strand). Cytogenetic location: 19p13.3.
Variant type: single nucleotide variant.
Coding change: c.409G>A on transcript NM_032482.3 (MANE Select); coding-DNA position 409, G replaced by A.
Protein change: p.Gly137Arg; replaces glycine 137 with arginine.
Molecular consequence: missense variant.
Genome position (GRCh38, 1-based): chr19:2,191,156, G>A. VCF-style: chr19-2191156-G-A. GRCh37 (hg19) VCF-style: chr19-2191155-G-A.
Other names: c.409G>A, p.Gly137Arg (NM_001411141.1); short protein forms G137R.
Identifiers: ClinVar variation 4278745 (VCV004278745.2).
Genomic context (GRCh38, chr19:2,191,156, plus strand): 5'-CACTCGGTGACCGACCCCGAGAAGCTCAACAACTACGAGCCCTTCTCCCCCGAGGTGTAC[G>A]GGGAGACCTCCTTCGACCTGGTGGCCCAGATGATTGATGAGATCAAGATGACCGACGACG-3'
Protein context (NP_115871.1, residues 127-147): NYEPFSPEVY[Gly137Arg]ETSFDLVAQM

ClinVar aggregate classification (germline): Uncertain significance (1 of 4 stars; one submission).

Submission:

GeneDx
Classification: Uncertain significance. Last evaluated: 2026-10-01. Review status: criteria provided, single submitter. Criteria: GeneDx Variant Classification Process June 2021. Collection method: clinical testing. Allele origin: germline.
Comment: Not observed at significant frequency in large population cohorts (gnomAD); In silico analysis supports that this missense variant has a deleterious effect on protein structure/function; This variant is associated with the following publications: (PMID: 37784247, 40494548)